The following is an entry in ClinVar:

ClinVar aggregate classification (germline): Uncertain significance. Review status: criteria provided, multiple submitters, no conflicts (2 of 4 stars). 2 submissions from 2 submitters: Uncertain significance (2). Last evaluated 2022-05-10.

Conditions:
Inborn genetic diseases. Identifiers: MedGen C0950123, MeSH D030342.

Allele frequency attached by ClinVar (database versions not stated): TOPMed below 0.00001; gnomAD 0.00001; gnomAD exomes 0.00002.
gnomAD v4.1: 24 of 1,614,076 alleles (0.0015%); highest among the groups gnomAD compares: Non-Finnish European, 0.0019%; no homozygotes.

Submissions (2):

Labcorp Genetics (formerly Invitae), Labcorp
Classification: Uncertain significance. Last evaluated: 2022-05-10. Review status: criteria provided, single submitter. Criteria: Invitae Variant Classification Sherloc (09022015). Collection method: clinical testing. Allele origin: germline.
Comment: This sequence change replaces glutamine, which is neutral and polar, with proline, which is neutral and non-polar, at codon 1501 of the FAT4 protein (p.Gln1501Pro). This variant is not present in population databases (gnomAD no frequency). This variant has not been reported in the literature in individuals affected with FAT4-related conditions. Advanced modeling of protein sequence and biophysical properties (such as structural, functional, and spatial information, amino acid conservation, physicochemical variation, residue mobility, and thermodynamic stability) performed at Invitae indicates that this missense variant is not expected to disrupt FAT4 protein function. In summary, the available evidence is currently insufficient to determine the role of this variant in disease. Therefore, it has been classified as a Variant of Uncertain Significance.

Ambry Genetics
Classification: Uncertain significance for Inborn genetic diseases. Last evaluated: 2021-03-26. Review status: criteria provided, single submitter. Criteria: Ambry Variant Classification Scheme 2023. Collection method: clinical testing. Allele origin: germline.
Comment: The c.4502A>C (p.Q1501P) alteration is located in exon 1 (coding exon 1) of the FAT4 gene. This alteration results from a A to C substitution at nucleotide position 4502, causing the glutamine (Q) at amino acid position 1501 to be replaced by a proline (P). The p.Q1501P alteration is predicted to be tolerated by in silico analysis. Based on insufficient or conflicting evidence, the clinical significance of this alteration remains unclear.

NM_001291303.3(FAT4):c.4502A>C (p.Gln1501Pro)

Gene: FAT4 (FAT atypical cadherin 4; plus strand). Cytogenetic location: 4q28.1.
Variant type: single nucleotide variant.
Coding change: c.4502A>C on transcript NM_001291303.3 (MANE Select); coding-DNA position 4502, A replaced by C.
Protein change: p.Gln1501Pro; replaces glutamine 1501 with proline.
Molecular consequence: missense variant.
Genome position (GRCh38, 1-based): chr4:125,320,913, A>C. VCF-style: chr4-125320913-A-C. GRCh37 (hg19) VCF-style: chr4-126242068-A-C.
Other names: c.4502A>C, p.Gln1501Pro (NM_001291285.3, NM_024582.6); c.4502A>C (NM_024582.4); short protein forms Q1501P.
Identifiers: ClinVar variation 1365430 (VCV001365430.6), dbSNP rs1730912386, ClinGen allele CA358126670.
Genomic context (GRCh38, chr4:125,320,913, plus strand): 5'-ATGCTGAAATAGATCGGGAATTTGCTAATCTCTTTGAGTTGACTGTAAAAGCCAATGATC[A>C]AGCTGTGCCAATAGAAACTAGACGGTATGCTTTGAAGAACGTGACCATTTTGGTTACAGA-3'
Protein context (NP_001278232.1, residues 1491-1511): LFELTVKAND[Gln1501Pro]AVPIETRRYA